The following is an entry in ClinVar:

ClinVar aggregate classification (germline): Likely benign (1 of 4 stars; one submission).

Submission:

CeGaT Center for Human Genetics Tuebingen
Classification: Likely benign. Last evaluated: 2024-11-01. Review status: criteria provided, single submitter. Criteria: CeGaT Center For Human Genetics Tuebingen Variant Classification Criteria Version 2. Collection method: clinical testing. Allele origin: germline. Affected: yes. Observed: 1 variant allele.
Comment: DACT1: BP4, BS1

NM_001079520.2(DACT1):c.1148C>G (p.Ser383Trp)

Gene: DACT1 (dishevelled binding antagonist of beta catenin 1; plus strand). Cytogenetic location: 14q23.1.
Variant type: single nucleotide variant.
Coding change: c.1148C>G on transcript NM_001079520.2 (MANE Select); coding-DNA position 1148, C replaced by G.
Protein change: p.Ser383Trp; replaces serine 383 with tryptophan.
Molecular consequence: missense variant. On other transcripts: non-coding transcript variant (5).
Genome position (GRCh38, 1-based): chr14:58,645,882, C>G. VCF-style: chr14-58645882-C-G. GRCh37 (hg19) VCF-style: chr14-59112600-C-G.
Other names: c.1259C>G, p.Ser420Trp (NM_016651.6); short protein forms S383W, S420W.
Identifiers: ClinVar variation 3390056 (VCV003390056.14).